The following is an entry in ClinVar:

ClinVar aggregate classification (germline): Likely benign. Review status: criteria provided, multiple submitters, no conflicts (2 of 4 stars). 2 submissions from 2 submitters: Likely benign (2). Last evaluated 2023-09-23.

Allele frequency attached by ClinVar (database versions not stated): gnomAD exomes 0.00006 and 0.00002; ESP Exome Variant Server 0.00008; TOPMed 0.00002; gnomAD 0.00003 and 0.00004; ExAC 0.00004.
gnomAD v4.1: 87 of 1,610,986 alleles (0.0054%); highest among the groups gnomAD compares: Non-Finnish European, 0.007%; no homozygotes.

Submissions (2):

Labcorp Genetics (formerly Invitae), Labcorp
Classification: Likely benign. Last evaluated: 2023-09-23. Review status: criteria provided, single submitter. Criteria: Invitae Variant Classification Sherloc (09022015). Collection method: clinical testing. Allele origin: germline.

Laboratory for Molecular Medicine, Mass General Brigham Personalized Medicine
Classification: Likely benign. Last evaluated: 2012-04-30. Review status: criteria provided, single submitter. Criteria: LMM Criteria. Collection method: clinical testing. Allele origin: germline. Observed: 1 variant allele.
Comment: Leu108Leu in Exon 04 of SLC26A4: This variant is not expected to have clinical s ignificance because it does not alter an amino acid residue, is not located with in the splice consensus sequence, and has been identified in 1/7020 European Ame rican chromosomes from a broad population by the NHLBI Exome Sequencing Project.

NM_000441.2(SLC26A4):c.322C>T (p.Leu108=)

Gene: SLC26A4 (solute carrier family 26 member 4; plus strand). Cytogenetic location: 7q22.3.
Variant type: single nucleotide variant.
Coding change: c.322C>T on transcript NM_000441.2 (MANE Select); coding-DNA position 322, C replaced by T.
Protein change: p.Leu108=; no amino-acid change (leucine 108 retained).
Molecular consequence: synonymous variant.
Genome position (GRCh38, 1-based): chr7:107,672,155, C>T. VCF-style: chr7-107672155-C-T. GRCh37 (hg19) VCF-style: chr7-107312600-C-T.
Identifiers: ClinVar variation 43554 (VCV000043554.13), dbSNP rs374545905, ClinGen allele CA132725.
Genomic context (GRCh38, chr7:107,672,155, plus strand): 5'-TAACTTTGGTTTGTGAATGTAATCACTTTGCATGTGCTTTCAGGGATGGCATATGCCCTA[C>T]TAGCTGCAGTTCCTGTCGGATATGGTCTCTACTCTGCTTTTTTCCCTATCCTGACATACT-3'
Protein context (NP_000432.1, residues 98-118): ATLQGMAYAL[Leu108=]AAVPVGYGLY